The following is an entry in ClinVar:

NM_016457.5(PRKD2):c.1480G>A (p.Ala494Thr)

Gene: PRKD2 (protein kinase D2; minus strand). Cytogenetic location: 19q13.32.
Variant type: single nucleotide variant.
Coding change: c.1480G>A on transcript NM_016457.5 (MANE Select); coding-DNA position 1480, G replaced by A.
Protein change: p.Ala494Thr; replaces alanine 494 with threonine.
Molecular consequence: missense variant.
Genome position (GRCh38, 1-based): chr19:46,693,971, C>T on the plus strand (G>A on the coding strand, the complement: PRKD2 is on the minus strand). VCF-style: chr19-46693971-C-T. GRCh37 (hg19) VCF-style: chr19-47197228-C-T.
Other names: c.1480G>A, p.Ala494Thr (NM_001079880.2, NM_001079881.2); c.1009G>A, p.Ala337Thr (NM_001079882.2); short protein forms A337T, A494T.
Identifiers: ClinVar variation 3054886 (VCV003054886.2), dbSNP rs140899472, ClinGen allele CA9530820.

ClinVar aggregate classification (germline): Likely benign (0 of 4 stars; one submission).

Conditions:
PRKD2-related disorder. Also called: PRKD2-related condition.

Allele frequency attached by ClinVar (database versions not stated): gnomAD exomes 0.00007; ExAC 0.00012; ESP Exome Variant Server 0.00023; 1000 Genomes Project 30x 0.00031; gnomAD 0.00040; TOPMed 0.00041; 1000 Genomes Project 0.00060.
gnomAD v4.1: 170 of 1,612,918 alleles (0.011%); highest among the groups gnomAD compares: African/African-American, 0.13%; no homozygotes.

Submission:

PreventionGenetics, part of Exact Sciences
Classification: Likely benign for PRKD2-related condition. Last evaluated: 2022-05-31. Review status: no assertion criteria provided. Collection method: clinical testing. Allele origin: germline.
Comment: This variant is classified as likely benign based on ACMG/AMP sequence variant interpretation guidelines (Richards et al. 2015 PMID: 25741868, with internal and published modifications).